The following is an entry in ClinVar:

NM_000548.5(TSC2):c.251C>T (p.Ala84Val)

Gene: TSC2 (TSC complex subunit 2; plus strand). Cytogenetic location: 16p13.3.
Variant type: single nucleotide variant.
Coding change: c.251C>T on transcript NM_000548.5 (MANE Select); coding-DNA position 251, C replaced by T.
Protein change: p.Ala84Val; replaces alanine 84 with valine.
Molecular consequence: missense variant. On other transcripts: intron variant (2).
Genome position (GRCh38, 1-based): chr16:2,053,367, C>T. VCF-style: chr16-2053367-C-T. GRCh37 (hg19) VCF-style: chr16-2103368-C-T.
Other names: p.A84V:GCG>GTG; c.251C>T (NM_000548.4); c.251C>T, p.Ala84Val (NM_001077183.3, NM_001114382.3, NM_001363528.2 and 3 more transcripts); c.104C>T, p.Ala35Val (NM_001318829.2); c.284C>T, p.Ala95Val (NM_001318832.2); c.226-929C>T (NM_001318827.2); c.-1-2829C>T (NM_001318831.2); short protein forms A84V, A35V, A95V.
Identifiers: ClinVar variation 49212 (VCV000049212.70), dbSNP rs35660529, ClinGen allele CA017545.

ClinVar aggregate classification (germline): Conflicting classifications of pathogenicity. Review status: criteria provided, conflicting classifications (1 of 4 stars). 17 submissions from 16 submitters: Uncertain significance (1); Benign (7); Likely benign (5). 4 of the submissions do not count toward it. Last evaluated 2026-02-03.

Conditions:
Hereditary cancer-predisposing syndrome. Also called: Hereditary Cancer Syndrome; Tumor predisposition; Neoplastic Syndromes, Hereditary; Hereditary neoplastic syndrome. Identifiers: Orphanet 140162, MedGen C0027672, MeSH D009386, MONDO:0015356.
Lymphangiomyomatosis (LAM). Also called: Lymphangioleiomyomatosis; Lymphangioleiomyomatosis, somatic. Identifiers: Orphanet 538, MedGen C0751674, MONDO:0011705, OMIM 606690.
Tuberous sclerosis syndrome (TSC). Also called: Tuberous Sclerosis Complex; Tuberous sclerosis. Identifiers: Orphanet 805, MedGen C0041341, MONDO:0001734.
Tuberous sclerosis 2 (TSC2). Identifiers: Orphanet 805, MedGen C1860707, MONDO:0013199, OMIM 613254.

Allele frequency attached by ClinVar (database versions not stated): ESP Exome Variant Server 0.00015; 1000 Genomes Project 30x 0.00016; gnomAD 0.00019 and 0.00021; 1000 Genomes Project 0.00020; TOPMed 0.00021; gnomAD exomes 0.00032 and 0.00033; ExAC 0.00062.

Submissions (18):

Labcorp Genetics (formerly Invitae), Labcorp
Classification: Benign for Tuberous sclerosis 2. Last evaluated: 2026-02-03. Review status: criteria provided, single submitter. Criteria: Invitae Variant Classification Sherloc (09022015). Collection method: clinical testing. Allele origin: germline.

CeGaT Center for Human Genetics Tuebingen
Classification: Likely benign. Last evaluated: 2026-02-01. Review status: criteria provided, single submitter. Criteria: CeGaT Center For Human Genetics Tuebingen Variant Classification Criteria Version 2. Collection method: clinical testing. Allele origin: germline. Affected: yes. Observed: 7 variant alleles.
Comment: TSC2: BP4

Myriad Genetics, Inc.
Classification: Likely benign for Tuberous sclerosis 2. Last evaluated: 2025-05-02. Review status: criteria provided, single submitter. Criteria: Myriad Autosomal Dominant, Autosomal Recessive and X-Linked Classification Criteria (2023). Collection method: clinical testing. Allele origin: unknown.
Comment: This variant is considered likely benign. This variant has been observed at a population frequency that is significantly greater than expected given the associated disease prevalence and penetrance.

Blueprint Genetics
Classification: Likely benign. Last evaluated: 2024-11-21. Review status: criteria provided, single submitter. Criteria: ACMG Guidelines, 2015. Collection method: clinical testing. Allele origin: germline.

KCCC/NGS Laboratory, Kuwait Cancer Control Center
Classification: Benign for Tuberous sclerosis 2. Last evaluated: 2023-07-07. Review status: criteria provided, single submitter. Criteria: ACMG Guidelines, 2015. Collection method: clinical testing. Allele origin: germline. Affected: yes.

Color Diagnostics, LLC DBA Color Health
Classification: Likely benign for Tuberous sclerosis syndrome. Last evaluated: 2022-08-31. Review status: criteria provided, single submitter. Criteria: ACMG Guidelines, 2015. Collection method: clinical testing. Allele origin: germline.

Ambry Genetics
Classification: Likely benign for Hereditary cancer-predisposing syndrome. Last evaluated: 2022-03-04. Review status: criteria provided, single submitter. Criteria: Ambry Variant Classification Scheme 2023. Collection method: clinical testing. Allele origin: germline.

Genome-Nilou Lab
Classification: Benign for Tuberous sclerosis 2. Last evaluated: 2021-11-07. Review status: criteria provided, single submitter. Criteria: ACMG Guidelines, 2015. Collection method: clinical testing. Allele origin: germline. Affected: no.

Sema4
Classification: Benign for Hereditary cancer-predisposing syndrome. Last evaluated: 2021-02-13. Review status: criteria provided, single submitter. Criteria: Sema4 Curation Guidelines. Collection method: curation. Allele origin: germline.

GeneDx
Classification: Benign. Last evaluated: 2019-11-26. Review status: criteria provided, single submitter. Criteria: GeneDx Variant Classification Process June 2021. Collection method: clinical testing. Allele origin: germline. Affected: yes.
Comment: This variant is associated with the following publications: (PMID: 11208653, 28873162, 23514105)

Illumina Laboratory Services, Illumina
Classification: Uncertain significance for Tuberous sclerosis syndrome. Last evaluated: 2018-07-10. Review status: criteria provided, single submitter. Criteria: ICSL Variant Classification Criteria 13 December 2019. Collection method: clinical testing. Allele origin: germline.

Women's Health and Genetics/Laboratory Corporation of America, LabCorp
Classification: Benign. Last evaluated: 2016-08-23. Review status: criteria provided, single submitter. Criteria: LabCorp Variant Classification Summary - May 2015. Collection method: clinical testing. Allele origin: germline.
Comment: Variant summary: The TSC2 c.251C>T (p.Ala84Val) variant involves the alteration of a conserved nucleotide. 2/4 in silico tools predict a benign outcome for this variant (SNPs&GO not captured due to low reliability index). This variant was found in 20/32398 control chromosomes, predominantly observed in the European (Non-Finnish) and South Asian subpopulations at a frequency of 0.0008709 (14/16076) and 0.000704 (6/8528), respectively. This frequencies is about 10-13 times the estimated maximal expected allele frequency of a pathogenic TSC2 variant (0.0000688), suggesting this is likely a benign polymorphism found primarily in these two subpopulations. Co-occurrence of the variant of interest and a potential pathogenic TSC1 variant (c.1112T>G/p.Tyr297X) has been reported in one TSC patient. In addition, multiple clinical diagnostic laboratories classified this variant as likely benign. Taken together, this variant is classified as benign.

Quest Diagnostics Nichols Institute San Juan Capistrano
Classification: Benign. Last evaluated: 2011-02-04. Review status: criteria provided, single submitter. Criteria: Quest Diagnostics criteria. Collection method: clinical testing. Allele origin: unknown.

Clinical Genetics DNA and cytogenetics Diagnostics Lab, Erasmus MC, Erasmus Medical Center
Classification: Benign. Review status: no assertion criteria provided. Collection method: clinical testing. Allele origin: germline. Affected: yes. Study: VKGL Data-share Consensus. Not counted in ClinVar's aggregate classification.

Clinical Genetics, Academic Medical Center
Classification: Likely benign. Review status: no assertion criteria provided. Collection method: clinical testing. Allele origin: germline. Affected: yes. Study: VKGL Data-share Consensus. Not counted in ClinVar's aggregate classification.

Dr. Peter K. Rogan Lab, Western University
No classification provided (evidence only). Condition: Sarcoma. Review status: no classification provided. Collection method: in vitro. Allele origin: not applicable. Functional consequence: skipped exon, retained intron. Not counted in ClinVar's aggregate classification.

Tuberous sclerosis database (TSC2)
No classification provided. Condition: TSC. Review status: no classification provided. Criteria: Tuberous Sclerosis Database Assertion Criteria 2015. Collection method: curation. Allele origin: germline. Affected: yes. Not counted in ClinVar's aggregate classification.

Tuberous sclerosis database (TSC2)
No classification provided. Condition: TSC; LAM. Review status: no classification provided. Criteria: Tuberous Sclerosis Database Assertion Criteria 2015. Collection method: curation. Allele origin: germline. Affected: yes. Not counted in ClinVar's aggregate classification.

Literature cited by the submitters: PubMed 11208653 (cited by Women's Health and Genetics/Laboratory Corporation of America, LabCorp and Quest Diagnostics Nichols Institute San Juan Capistrano).